The following is an entry in ClinVar:

ClinVar aggregate classification (germline): Uncertain significance (1 of 4 stars; one submission).

gnomAD v4.1: 2 of 1,599,598 alleles (0.00013%); no homozygotes.

Submission:

Labcorp Genetics (formerly Invitae), Labcorp
Classification: Uncertain significance. Last evaluated: 2023-02-26. Review status: criteria provided, single submitter. Criteria: Invitae Variant Classification Sherloc (09022015). Collection method: clinical testing. Allele origin: germline.
Comment: This variant is not present in population databases (gnomAD no frequency). This variant has not been reported in the literature in individuals affected with GUCY2C-related conditions. An algorithm developed to predict the effect of missense changes on protein structure and function (PolyPhen-2) suggests that this variant is likely to be disruptive. In summary, the available evidence is currently insufficient to determine the role of this variant in disease. Therefore, it has been classified as a Variant of Uncertain Significance. This sequence change replaces proline, which is neutral and non-polar, with serine, which is neutral and polar, at codon 927 of the GUCY2C protein (p.Pro927Ser).

NM_004963.4(GUCY2C):c.2779C>T (p.Pro927Ser)

Genes: GUCY2C (guanylate cyclase 2C; minus strand), PLBD1-AS1 (PLBD1 antisense RNA 1; plus strand). Cytogenetic location: 12p12.3.
Variant type: single nucleotide variant.
Coding change: c.2779C>T on transcript NM_004963.4 (MANE Select); coding-DNA position 2779, C replaced by T.
Protein change: p.Pro927Ser; replaces proline 927 with serine.
Molecular consequence: missense variant. On other transcripts: non-coding transcript variant (1).
Genome position (GRCh38, 1-based): chr12:14,619,307, G>A on the plus strand (C>T on the coding strand, the complement: GUCY2C is on the minus strand). VCF-style: chr12-14619307-G-A. GRCh37 (hg19) VCF-style: chr12-14772241-G-A.
Other names: short protein forms P927S.
Identifiers: ClinVar variation 2908808 (VCV002908808.3), dbSNP rs1946845502, ClinGen allele CA383993426.